The following is an entry in ClinVar:

ClinVar aggregate classification (germline): Uncertain significance (1 of 4 stars; one submission).

Allele frequency attached by ClinVar (database versions not stated): gnomAD exomes below 0.00001 and 0.00001; ExAC 0.00001.
gnomAD v4.1: 14 of 1,612,540 alleles (0.00087%); highest among the groups gnomAD compares: East Asian, 0.0022%; no homozygotes.

Submission:

Labcorp Genetics (formerly Invitae), Labcorp
Classification: Uncertain significance. Last evaluated: 2021-04-06. Review status: criteria provided, single submitter. Criteria: Invitae Variant Classification Sherloc (09022015). Collection method: clinical testing. Allele origin: germline.
Comment: In summary, the available evidence is currently insufficient to determine the role of this variant in disease. Therefore, it has been classified as a Variant of Uncertain Significance. Algorithms developed to predict the effect of missense changes on protein structure and function (SIFT, PolyPhen-2, Align-GVGD) all suggest that this variant is likely to be tolerated, but these predictions have not been confirmed by published functional studies and their clinical significance is uncertain. This variant has not been reported in the literature in individuals with C5-related conditions. This variant is present in population databases (rs772720068, ExAC 0.006%). This sequence change replaces aspartic acid with asparagine at codon 1382 of the C5 protein (p.Asp1382Asn). The aspartic acid residue is moderately conserved and there is a small physicochemical difference between aspartic acid and asparagine.

NM_001735.3(C5):c.4144G>A (p.Asp1382Asn)

Gene: C5 (complement C5; minus strand). Cytogenetic location: 9q33.2.
Variant type: single nucleotide variant.
Coding change: c.4144G>A on transcript NM_001735.3 (MANE Select); coding-DNA position 4144, G replaced by A.
Protein change: p.Asp1382Asn; replaces aspartic acid 1382 with asparagine.
Molecular consequence: missense variant.
Genome position (GRCh38, 1-based): chr9:120,970,188, C>T on the plus strand (G>A on the coding strand, the complement: C5 is on the minus strand). VCF-style: chr9-120970188-C-T. GRCh37 (hg19) VCF-style: chr9-123732466-C-T.
Other names: c.4162G>A, p.Asp1388Asn (NM_001317163.2); short protein forms D1388N, D1382N.
Identifiers: ClinVar variation 1356162 (VCV001356162.8), dbSNP rs772720068, ClinGen allele CA5217285.
Genomic context (GRCh38, chr9:120,970,188, plus strand): 5'-TATTTTTAGCCAAAATTACAGCGTAAATCCTGCTGTTTTTACCTTCAATATCCTGAGTAT[C>T]GATTTTCAAATAAAAGCTGCAAACTTCCTCAGAGGTACTGGTTTTGTGAACTACAGTTGT-3'
Protein context (NP_001726.2, residues 1372-1392): EEVCSFYLKI[Asp1382Asn]TQDIEASHYR